The following is an entry in ClinVar:

NM_005458.8(GABBR2):c.269A>G (p.Asn90Ser)

Gene: GABBR2 (gamma-aminobutyric acid type B receptor subunit 2; minus strand). Cytogenetic location: 9q22.33.
Variant type: single nucleotide variant.
Coding change: c.269A>G on transcript NM_005458.8 (MANE Select); coding-DNA position 269, A replaced by G.
Protein change: p.Asn90Ser; replaces asparagine 90 with serine.
Molecular consequence: missense variant.
Genome position (GRCh38, 1-based): chr9:98,708,469, T>C on the plus strand (A>G on the coding strand, the complement: GABBR2 is on the minus strand). VCF-style: chr9-98708469-T-C. GRCh37 (hg19) VCF-style: chr9-101470751-T-C.
Other names: short protein forms N90S.
Identifiers: ClinVar variation 949845 (VCV000949845.9), dbSNP rs370768849, ClinGen allele CA5153045.

ClinVar aggregate classification (germline): Uncertain significance (1 of 4 stars; one submission).

Conditions:
Epileptic encephalopathy. Identifiers: MedGen C0543888, HP:0200134.

Allele frequency attached by ClinVar (database versions not stated): TOPMed below 0.00001; gnomAD 0.00001; gnomAD exomes 0.00001; ExAC 0.00002; ESP Exome Variant Server 0.00008.
gnomAD v4.1: 9 of 1,583,116 alleles (0.00057%); highest among the groups gnomAD compares: East Asian, 0.0046%; no homozygotes.

Submission:

Labcorp Genetics (formerly Invitae), Labcorp
Classification: Uncertain significance for Epileptic encephalopathy. Last evaluated: 2024-03-27. Review status: criteria provided, single submitter. Criteria: Invitae Variant Classification Sherloc (09022015). Collection method: clinical testing. Allele origin: germline.
Comment: This sequence change replaces asparagine, which is neutral and polar, with serine, which is neutral and polar, at codon 90 of the GABBR2 protein (p.Asn90Ser). This variant is present in population databases (rs370768849, gnomAD 0.01%). This variant has not been reported in the literature in individuals affected with GABBR2-related conditions. ClinVar contains an entry for this variant (Variation ID: 949845). Advanced modeling of protein sequence and biophysical properties (such as structural, functional, and spatial information, amino acid conservation, physicochemical variation, residue mobility, and thermodynamic stability) performed at Invitae indicates that this missense variant is not expected to disrupt GABBR2 protein function with a negative predictive value of 80%. In summary, the available evidence is currently insufficient to determine the role of this variant in disease. Therefore, it has been classified as a Variant of Uncertain Significance.